The following is an entry in ClinVar:

ClinVar aggregate classification (germline): Benign (1 of 4 stars; one submission).

Conditions:
Polydactyly of a triphalangeal thumb. Also called: Polydactyly, preaxial type II; POLYDACTYLY OF TRIPHALANGEAL THUMB; TRIPHALANGEAL THUMB-POLYDACTYLY SYNDROME. Identifiers: Orphanet 2439, Orphanet 2950, Orphanet 93336, MedGen C1868114, MONDO:0008270, OMIM 174500.

Allele frequency attached by ClinVar (database versions not stated): ExAC 0.00034; gnomAD exomes 0.00034 and 0.00025; ESP Exome Variant Server 0.00038; gnomAD 0.00023 and 0.00024; TOPMed 0.00024; 1000 Genomes Project 30x 0.00031.
gnomAD v4.1: 521 of 1,603,384 alleles (0.032%); highest among the groups gnomAD compares: Non-Finnish European, 0.042%; no homozygotes.

Submission:

Illumina Laboratory Services, Illumina
Classification: Benign for Polydactyly of a triphalangeal thumb. Last evaluated: 2018-01-13. Review status: criteria provided, single submitter. Criteria: ICSL Variant Classification Criteria 13 December 2019. Collection method: clinical testing. Allele origin: germline.
Comment: This variant was observed in the ICSL laboratory as part of a predisposition screen in an ostensibly healthy population. It had not been previously curated by ICSL or reported in the Human Gene Mutation Database (HGMD: prior to June 1st, 2018), and was therefore a candidate for classification through an automated scoring system. Utilizing variant allele frequency, disease prevalence and penetrance estimates, and inheritance mode, an automated score was calculated to assess if this variant is too frequent to cause the disease. Based on the score and internal cut-off values, a variant classified as benign is not then subjected to further curation. The score for this variant resulted in a classification of benign for this disease.

NM_022458.4(LMBR1):c.*11C>T

Gene: LMBR1 (limb development membrane protein 1; minus strand). Cytogenetic location: 7q36.3.
Variant type: single nucleotide variant.
Coding change: c.*11C>T on transcript NM_022458.4 (MANE Select); 11 bases downstream of the stop codon, C replaced by T.
Molecular consequence: 3 prime UTR variant. On other transcripts: non-coding transcript variant (2).
Genome position (GRCh38, 1-based): chr7:156,684,067, G>A on the plus strand (C>T on the coding strand, the complement: LMBR1 is on the minus strand). VCF-style: chr7-156684067-G-A. GRCh37 (hg19) VCF-style: chr7-156476761-G-A.
Other names: c.*11C>T (NM_001350953.2, NM_001350954.2, NM_001350955.2 and 8 more transcripts).
Identifiers: ClinVar variation 908395 (VCV000908395.4), dbSNP rs375283454, ClinGen allele CA4587735.
Genomic context (GRCh38, chr7:156,684,067, plus strand): 5'-ACATGGGACAGGAATGTCGTGAATCTGGAGTTCTCGGGTCTCTTGGTGGCAGAAGACGCC[G>A]TCTGTGCGTCTCACAGTGCTTTCTGATGCCCATTTACAGAAGGCTTGGCTGTTTCTGAAT-3'